The following is an entry in ClinVar:

NM_005032.7(PLS3):c.1511+82T>C

Gene: PLS3 (plastin 3; plus strand). Cytogenetic location: Xq23.
Variant type: single nucleotide variant.
Coding change: c.1511+82T>C on transcript NM_005032.7 (MANE Select); 82 bases into the intron after coding-DNA position 1511, T replaced by C.
Molecular consequence: intron variant.
Genome position (GRCh38, 1-based): chrX:115,646,617, T>C. VCF-style: chrX-115646617-T-C. GRCh37 (hg19) VCF-style: chrX-114880937-T-C.
Other names: c.1472+82T>C (NM_001282337.2); c.1376+82T>C (NM_001282338.2); c.1511+82T>C (NM_001136025.5); c.1430+82T>C (NM_001172335.3).
Identifiers: ClinVar variation 674933 (VCV000674933.2), dbSNP rs2301951, ClinGen allele CA334698779.

ClinVar aggregate classification (germline): Benign. Review status: criteria provided, multiple submitters, no conflicts (2 of 4 stars). 2 submissions from 2 submitters: Benign (2). Last evaluated 2018-06-16.

Allele frequency attached by ClinVar (database versions not stated): gnomAD exomes 0.04879; gnomAD 0.15742 and 0.16363; TOPMed 0.17533; 1000 Genomes Project 0.18358; 1000 Genomes Project 30x 0.19188.
gnomAD v4.1: 54,243 of 847,827 alleles (6.4%); highest among the groups gnomAD compares: African/African-American, 46%; 4,580 homozygotes.

Submissions (2):

GeneDx
Classification: Benign. Last evaluated: 2018-06-16. Review status: criteria provided, single submitter. Criteria: GeneDx Variant Classification (06012015). Collection method: clinical testing. Allele origin: germline. Affected: yes.
Comment: This variant is considered likely benign or benign based on one or more of the following criteria: it is a conservative change, it occurs at a poorly conserved position in the protein, it is predicted to be benign by multiple in silico algorithms, and/or has population frequency not consistent with disease.

Breakthrough Genomics
Classification: Benign. Review status: criteria provided, single submitter. Criteria: ACMG Guidelines, 2015. Collection method: not provided. Allele origin: germline. Inheritance: X-linked inheritance. Affected: yes.